The following is an entry in ClinVar:

ClinVar aggregate classification (germline): Uncertain significance (1 of 4 stars; one submission).

Submission:

Labcorp Genetics (formerly Invitae), Labcorp
Classification: Uncertain significance. Last evaluated: 2023-01-26. Review status: criteria provided, single submitter. Criteria: Invitae Variant Classification Sherloc (09022015). Collection method: clinical testing. Allele origin: germline.
Comment: In summary, the available evidence is currently insufficient to determine the role of this variant in disease. Therefore, it has been classified as a Variant of Uncertain Significance. Advanced modeling of protein sequence and biophysical properties (such as structural, functional, and spatial information, amino acid conservation, physicochemical variation, residue mobility, and thermodynamic stability) performed at Invitae indicates that this missense variant is not expected to disrupt GDF5 protein function. This variant has not been reported in the literature in individuals affected with GDF5-related conditions. This variant is not present in population databases (gnomAD no frequency). This sequence change replaces arginine, which is basic and polar, with glutamine, which is neutral and polar, at codon 381 of the GDF5 protein (p.Arg381Gln).

NM_000557.5(GDF5):c.1142G>A (p.Arg381Gln)

Genes: GDF5 (growth differentiation factor 5; minus strand), GDF5-AS1 (GDF5 antisense RNA 1; plus strand). Cytogenetic location: 20q11.22.
Variant type: single nucleotide variant.
Coding change: c.1142G>A on transcript NM_000557.5 (MANE Select); coding-DNA position 1142, G replaced by A.
Protein change: p.Arg381Gln; replaces arginine 381 with glutamine.
Molecular consequence: missense variant. On other transcripts: non-coding transcript variant (1).
Genome position (GRCh38, 1-based): chr20:35,434,273, C>T on the plus strand (G>A on the coding strand, the complement: GDF5 is on the minus strand). VCF-style: chr20-35434273-C-T. GRCh37 (hg19) VCF-style: chr20-34022071-C-T.
Other names: c.1142G>A, p.Arg381Gln (NM_001319138.2); short protein forms R381Q.
Identifiers: ClinVar variation 2997799 (VCV002997799.1), dbSNP rs1568731539, ClinGen allele CA408739628.